The following is an entry in ClinVar:

NM_001006658.3(CR2):c.2479G>C (p.Gly827Arg)

Gene: CR2 (complement C3d receptor 2; plus strand). Cytogenetic location: 1q32.2.
Variant type: single nucleotide variant.
Coding change: c.2479G>C on transcript NM_001006658.3 (MANE Select); coding-DNA position 2479, G replaced by C.
Protein change: p.Gly827Arg; replaces glycine 827 with arginine.
Molecular consequence: missense variant.
Genome position (GRCh38, 1-based): chr1:207,474,979, G>C. VCF-style: chr1-207474979-G-C. GRCh37 (hg19) VCF-style: chr1-207648324-G-C.
Other names: c.2302G>C, p.Gly768Arg (NM_001877.5); short protein forms G768R, G827R.
Identifiers: ClinVar variation 1964509 (VCV001964509.3), dbSNP rs1381427186, ClinGen allele CA344538189.

ClinVar aggregate classification (germline): Uncertain significance (1 of 4 stars; one submission).

Conditions:
Immunodeficiency, common variable, 7. Identifiers: Orphanet 1572, Orphanet 696894, MedGen C3542922, MONDO:0013862, OMIM 614699.

Submission:

Labcorp Genetics (formerly Invitae), Labcorp
Classification: Uncertain significance for Immunodeficiency, common variable, 7. Last evaluated: 2022-05-25. Review status: criteria provided, single submitter. Criteria: Invitae Variant Classification Sherloc (09022015). Collection method: clinical testing. Allele origin: germline.
Comment: This sequence change replaces glycine, which is neutral and non-polar, with arginine, which is basic and polar, at codon 827 of the CR2 protein (p.Gly827Arg). This variant is not present in population databases (gnomAD no frequency). This variant has not been reported in the literature in individuals affected with CR2-related conditions. Algorithms developed to predict the effect of missense changes on protein structure and function are either unavailable or do not agree on the potential impact of this missense change (SIFT: "Deleterious"; PolyPhen-2: "Probably Damaging"; Align-GVGD: "Class C0"). In summary, the available evidence is currently insufficient to determine the role of this variant in disease. Therefore, it has been classified as a Variant of Uncertain Significance.